The following is an entry in ClinVar:

NM_001377275.1(PER3):c.2949G>A (p.Thr983=)

Gene: PER3 (period circadian regulator 3; plus strand). Cytogenetic location: 1p36.23.
Variant type: single nucleotide variant.
Coding change: c.2949G>A on transcript NM_001377275.1 (MANE Select); coding-DNA position 2949, G replaced by A.
Protein change: p.Thr983=; no amino-acid change (threonine 983 retained).
Molecular consequence: synonymous variant.
Genome position (GRCh38, 1-based): chr1:7,829,896, G>A. VCF-style: chr1-7829896-G-A. GRCh37 (hg19) VCF-style: chr1-7889956-G-A.
Other names: NC_000001.10:g.7889956G>A; c.2946G>A, p.Thr982= (NM_001289861.2); c.2949G>A, p.Thr983= (NM_001289862.2); c.2925G>A, p.Thr975= (NM_001289863.3, NM_001377276.1); c.1989G>A, p.Thr663= (NM_001289864.3); c.2922G>A, p.Thr974= (NM_016831.4).
Identifiers: ClinVar variation 773387 (VCV000773387.30), dbSNP rs12121492, ClinGen allele CA568579.
Genomic context (GRCh38, chr1:7,829,896, plus strand): 5'-GTGTGTTACAGGCAACAATGGCAGTGAGAGCAGTCCTGCTACTACCGGTGCACTGTCCAC[G>A]GGGTCACCTCCCAGGGAGAATCCATCCCATCCTACTGCCAGCGCTCTGTCCACAGGATCG-3'
Protein context (NP_001364204.1, residues 973-993): SSPATTGALS[Thr983=]GSPPRENPSH

ClinVar aggregate classification (germline): Benign/Likely benign. Review status: criteria provided, multiple submitters, no conflicts (2 of 4 stars). 3 submissions from 3 submitters: Benign (2); Likely benign (1). Last evaluated 2023-04-01.

Allele frequency attached by ClinVar (database versions not stated): gnomAD exomes 0.00099 and 0.00126; 1000 Genomes Project 0.00140; 1000 Genomes Project 30x 0.00156; ExAC 0.00296; gnomAD 0.00308 and 0.00310; TOPMed 0.00312; ESP Exome Variant Server 0.00461.

Submissions (12):

CeGaT Center for Human Genetics Tuebingen
Classification: Likely benign. Last evaluated: 2023-04-01. Review status: criteria provided, single submitter. Criteria: CeGaT Center For Human Genetics Tuebingen Variant Classification Criteria Version 2. Collection method: clinical testing. Allele origin: germline. Affected: yes. Observed: 1 variant allele.
Comment: PER3: BP4, BP7, BS2

Labcorp Genetics (formerly Invitae), Labcorp
Classification: Benign. Last evaluated: 2019-12-31. Review status: criteria provided, single submitter. Criteria: Invitae Variant Classification Sherloc (09022015). Collection method: clinical testing. Allele origin: germline.

Breakthrough Genomics
Classification: Benign. Review status: criteria provided, single submitter. Criteria: ACMG Guidelines, 2015. Collection method: not provided. Allele origin: germline. Inheritance: Autosomal dominant inheritance. Affected: yes.

Dr. Peter K. Rogan Lab, Western University
No classification provided (evidence only). Condition: Clear cell carcinoma of kidney. Review status: no classification provided. Collection method: in vitro. Allele origin: not applicable. Functional consequence: retained intron. Not counted in ClinVar's aggregate classification.

Dr. Peter K. Rogan Lab, Western University
No classification provided (evidence only). Condition: Familial cancer of breast. Review status: no classification provided. Collection method: in vitro. Allele origin: not applicable. Functional consequence: retained intron. Not counted in ClinVar's aggregate classification.

Dr. Peter K. Rogan Lab, Western University
No classification provided (evidence only). Condition: Familial cancer of breast. Review status: no classification provided. Collection method: in vitro. Allele origin: not applicable. Functional consequence: retained intron. Not counted in ClinVar's aggregate classification.

Dr. Peter K. Rogan Lab, Western University
No classification provided (evidence only). Condition: Colorectal cancer. Review status: no classification provided. Collection method: in vitro. Allele origin: not applicable. Functional consequence: retained intron. Not counted in ClinVar's aggregate classification.

Dr. Peter K. Rogan Lab, Western University
No classification provided (evidence only). Condition: Sarcoma. Review status: no classification provided. Collection method: in vitro. Allele origin: not applicable. Functional consequence: retained intron. Not counted in ClinVar's aggregate classification.

Dr. Peter K. Rogan Lab, Western University
No classification provided (evidence only). Condition: Nonpapillary renal cell carcinoma. Review status: no classification provided. Collection method: in vitro. Allele origin: not applicable. Functional consequence: retained intron. Not counted in ClinVar's aggregate classification.

Dr. Peter K. Rogan Lab, Western University
No classification provided (evidence only). Condition: Ovarian serous cystadenocarcinoma. Review status: no classification provided. Collection method: in vitro. Allele origin: not applicable. Functional consequence: retained intron. Not counted in ClinVar's aggregate classification.

Dr. Peter K. Rogan Lab, Western University
No classification provided (evidence only). Condition: Ovarian serous cystadenocarcinoma. Review status: no classification provided. Collection method: in vitro. Allele origin: not applicable. Functional consequence: retained intron. Not counted in ClinVar's aggregate classification.

Dr. Peter K. Rogan Lab, Western University
No classification provided (evidence only). Condition: Malignant tumor of esophagus. Review status: no classification provided. Collection method: in vitro. Allele origin: not applicable. Functional consequence: retained intron. Not counted in ClinVar's aggregate classification.